The following is an entry in ClinVar:

NM_002890.3(RASA1):c.3037A>T (p.Ser1013Cys)

Genes: CCNH (cyclin H; minus strand), RASA1 (RAS p21 protein activator 1; plus strand). Cytogenetic location: 5q14.3.
Variant type: single nucleotide variant.
Coding change: c.3037A>T on transcript NM_002890.3 (MANE Select); coding-DNA position 3037, A replaced by T.
Protein change: p.Ser1013Cys; replaces serine 1013 with cysteine.
Molecular consequence: missense variant. On other transcripts: intron variant (1).
Genome position (GRCh38, 1-based): chr5:87,389,504, A>T. VCF-style: chr5-87389504-A-T. GRCh37 (hg19) VCF-style: chr5-86685321-A-T.
Other names: c.2506A>T, p.Ser836Cys (NM_022650.3); c.933+5540T>A (NM_001364075.2); short protein forms S1013C, S836C.
Identifiers: ClinVar variation 4735065 (VCV004735065.1).
Genomic context (GRCh38, chr5:87,389,504, plus strand): 5'-CGTGATTTAGCAGCATTGCATGAGATTTGCGTGGCTCATTCAGATGAACTTCGAACGCTC[A>T]GTAATGAGCGTGGTGCACAGCAGGTAGGCTTTCGCCAGCCTTCATTAACAATGATGTTTC-3'
Protein context (NP_002881.1, residues 1003-1023): VAHSDELRTL[Ser1013Cys]NERGAQQHVL

ClinVar aggregate classification (germline): Uncertain significance (1 of 4 stars; one submission).

Conditions:
Capillary malformation-arteriovenous malformation syndrome. Also called: Capillary malformation-arteriovenous malformation. Identifiers: Orphanet 137667, MedGen C1842180, MONDO:0012016.

Submission:

Labcorp Genetics (formerly Invitae), Labcorp
Classification: Uncertain significance for Capillary malformation-arteriovenous malformation syndrome. Last evaluated: 2026-01-11. Review status: criteria provided, single submitter. Criteria: Invitae Variant Classification Sherloc (09022015). Collection method: clinical testing. Allele origin: germline.
Comment: This sequence change replaces serine, which is neutral and polar, with cysteine, which is neutral and slightly polar, at codon 1013 of the RASA1 protein (p.Ser1013Cys). This variant is not present in population databases (gnomAD no frequency). This variant has not been reported in the literature in individuals affected with RASA1-related conditions. An algorithm developed to predict the effect of missense changes on protein structure and function (PolyPhen-2) suggests that this variant is likely to be disruptive. In summary, the available evidence is currently insufficient to determine the role of this variant in disease. Therefore, it has been classified as a Variant of Uncertain Significance.